The following is an entry in ClinVar:

NM_001080467.3(MYO5B):c.3430A>G (p.Thr1144Ala)

Gene: MYO5B (myosin VB; minus strand). Cytogenetic location: 18q21.1.
Variant type: single nucleotide variant.
Coding change: c.3430A>G on transcript NM_001080467.3 (MANE Select); coding-DNA position 3430, A replaced by G.
Protein change: p.Thr1144Ala; replaces threonine 1144 with alanine.
Molecular consequence: missense variant.
Genome position (GRCh38, 1-based): chr18:49,875,794, T>C on the plus strand (A>G on the coding strand, the complement: MYO5B is on the minus strand). VCF-style: chr18-49875794-T-C. GRCh37 (hg19) VCF-style: chr18-47402164-T-C.
Other names: c.3430A>G (NM_001080467.2); short protein forms T1144A.
Identifiers: ClinVar variation 2045764 (VCV002045764.7), dbSNP rs767178096, ClinGen allele CA8960718.

ClinVar aggregate classification (germline): Uncertain significance. Review status: criteria provided, multiple submitters, no conflicts (2 of 4 stars). 3 submissions from 3 submitters: Uncertain significance (3). Last evaluated 2024-12-25.

Conditions:
Inborn genetic diseases. Identifiers: MedGen C0950123, MeSH D030342.

Allele frequency attached by ClinVar (database versions not stated): gnomAD exomes below 0.00001; ExAC 0.00002; gnomAD 0.00005; TOPMed 0.00006.
gnomAD v4.1: 14 of 1,614,038 alleles (0.00087%); highest among the groups gnomAD compares: African/African-American, 0.013%; no homozygotes.

Submissions (3):

Ambry Genetics
Classification: Uncertain significance for Inborn genetic diseases. Last evaluated: 2024-12-25. Review status: criteria provided, single submitter. Criteria: Ambry Variant Classification Scheme 2023. Collection method: clinical testing. Allele origin: germline.

Labcorp Genetics (formerly Invitae), Labcorp
Classification: Uncertain significance. Last evaluated: 2024-09-30. Review status: criteria provided, single submitter. Criteria: Invitae Variant Classification Sherloc (09022015). Collection method: clinical testing. Allele origin: germline.
Comment: This sequence change replaces threonine, which is neutral and polar, with alanine, which is neutral and non-polar, at codon 1144 of the MYO5B protein (p.Thr1144Ala). This variant is present in population databases (rs767178096, gnomAD 0.02%). This variant has not been reported in the literature in individuals affected with MYO5B-related conditions. ClinVar contains an entry for this variant (Variation ID: 2045764). Invitae Evidence Modeling of protein sequence and biophysical properties (such as structural, functional, and spatial information, amino acid conservation, physicochemical variation, residue mobility, and thermodynamic stability) indicates that this missense variant is not expected to disrupt MYO5B protein function with a negative predictive value of 80%. In summary, the available evidence is currently insufficient to determine the role of this variant in disease. Therefore, it has been classified as a Variant of Uncertain Significance.

Revvity Omics, Revvity
Classification: Uncertain significance. Last evaluated: 2022-10-08. Review status: criteria provided, single submitter. Criteria: ACMG Guidelines, 2015. Collection method: clinical testing. Allele origin: germline.